The following is an entry in ClinVar:

ClinVar aggregate classification (germline): Uncertain significance. Review status: criteria provided, multiple submitters, no conflicts (2 of 4 stars). 2 submissions from 2 submitters: Uncertain significance (2). Last evaluated 2026-07-20.

Conditions:
Inborn genetic diseases. Identifiers: MedGen C0950123, MeSH D030342.

Allele frequency attached by ClinVar (database versions not stated): gnomAD exomes 0.00001; TOPMed 0.00001; gnomAD 0.00002.
gnomAD v4.1: 16 of 1,614,046 alleles (0.00099%); highest among the groups gnomAD compares: African/African-American, 0.013%; 1 homozygote.

Submissions (2):

Ambry Genetics
Classification: Uncertain significance for Inborn genetic diseases. Last evaluated: 2026-07-20. Review status: criteria provided, single submitter. Criteria: Ambry Variant Classification Scheme 2023. Collection method: clinical testing. Allele origin: germline.

Labcorp Genetics (formerly Invitae), Labcorp
Classification: Uncertain significance. Last evaluated: 2022-05-27. Review status: criteria provided, single submitter. Criteria: Invitae Variant Classification Sherloc (09022015). Collection method: clinical testing. Allele origin: germline.
Comment: This variant is present in population databases (no rsID available, gnomAD no frequency). In summary, the available evidence is currently insufficient to determine the role of this variant in disease. Therefore, it has been classified as a Variant of Uncertain Significance. Algorithms developed to predict the effect of missense changes on protein structure and function are either unavailable or do not agree on the potential impact of this missense change (SIFT: "Deleterious"; PolyPhen-2: "Possibly Damaging"; Align-GVGD: "Class C0"). This variant has not been reported in the literature in individuals affected with SPTB-related conditions. This sequence change replaces asparagine, which is neutral and polar, with aspartic acid, which is acidic and polar, at codon 908 of the SPTB protein (p.Asn908Asp).

NM_001355436.2(SPTB):c.2722A>G (p.Asn908Asp)

Gene: SPTB (spectrin beta, erythrocytic; minus strand). Cytogenetic location: 14q23.3.
Variant type: single nucleotide variant.
Coding change: c.2722A>G on transcript NM_001355436.2 (MANE Select); coding-DNA position 2722, A replaced by G.
Protein change: p.Asn908Asp; replaces asparagine 908 with aspartic acid.
Molecular consequence: missense variant.
Genome position (GRCh38, 1-based): chr14:64,791,801, T>C on the plus strand (A>G on the coding strand, the complement: SPTB is on the minus strand). VCF-style: chr14-64791801-T-C. GRCh37 (hg19) VCF-style: chr14-65258519-T-C.
Other names: NM_000347.5:c.2722A>G; c.2722A>G, p.Asn908Asp (NM_001024858.4, NM_001355437.2); short protein forms N908D.
Identifiers: ClinVar variation 2209391 (VCV002209391.9), dbSNP rs1306830178, ClinGen allele CA390015506.